The following is an entry in ClinVar:

NM_000214.3(JAG1):c.391T>A (p.Ser131Thr)

Gene: JAG1 (jagged canonical Notch ligand 1; minus strand). Cytogenetic location: 20p12.2.
Variant type: single nucleotide variant.
Coding change: c.391T>A on transcript NM_000214.3 (MANE Select); coding-DNA position 391, T replaced by A.
Protein change: p.Ser131Thr; replaces serine 131 with threonine.
Molecular consequence: missense variant.
Genome position (GRCh38, 1-based): chr20:10,664,011, A>T on the plus strand (T>A on the coding strand, the complement: JAG1 is on the minus strand). VCF-style: chr20-10664011-A-T. GRCh37 (hg19) VCF-style: chr20-10644659-A-T.
Other names: short protein forms S131T.
Identifiers: ClinVar variation 3573453 (VCV003573453.2).
Genomic context (GRCh38, chr20:10,664,011, plus strand): 5'-AGCGATACTTACGAACGGTGTCATTACTGGAATCCCACGCCTCCACAAGCAACGTATAGG[A>T]CCTCTGCAAGACAAACAAACAATTTAGCAATTCAGAAACAGGGTCGACTTTCCAAAATCT-3'
Protein context (NP_000205.1, residues 121-141): VLPFSFAWPR[Ser131Thr]YTLLVEAWDS

Conditions:
Arteriohepatic dysplasia. Also called: Alagille Syndrome. Identifiers: Orphanet 52, MedGen C0085280, MeSH D016738, MONDO:0007318.

Submission:

Gilbert/Spinner Lab, Children's Hospital of Philadelphia
No classification provided (evidence only). Condition: Alagille syndrome. Review status: no classification provided. Collection method: research. Allele origin: not applicable. Functional consequence: functionally_abnormal.
ClinVar note: "not provided" was previously submitted as the classification for the variant. However, the classification appeared to be based only on an observation of functional data so it was converted to no classification on 2025-07-30.